The following is an entry in ClinVar:

NM_001278716.2(FBXL4):c.350C>T (p.Thr117Met)

Gene: FBXL4 (F-box and leucine rich repeat protein 4; minus strand). Cytogenetic location: 6q16.2.
Variant type: single nucleotide variant.
Coding change: c.350C>T on transcript NM_001278716.2 (MANE Select); coding-DNA position 350, C replaced by T.
Protein change: p.Thr117Met; replaces threonine 117 with methionine.
Molecular consequence: missense variant. On other transcripts: non-coding transcript variant (2).
Genome position (GRCh38, 1-based): chr6:98,926,639, G>A on the plus strand (C>T on the coding strand, the complement: FBXL4 is on the minus strand). VCF-style: chr6-98926639-G-A. GRCh37 (hg19) VCF-style: chr6-99374515-G-A.
Other names: c.350C>T, p.Thr117Met (NM_012160.5); short protein forms T117M.
Identifiers: ClinVar variation 437563 (VCV000437563.1), dbSNP rs763115531, ClinGen allele CA3933705.

ClinVar aggregate classification (germline): Uncertain significance (1 of 4 stars; one submission).

Conditions:
Mitochondrial DNA depletion syndrome 13. Also called: FBXL4-Related Encephalomyopathic Mitochondrial DNA Depletion Syndrome; Mitochondrial DNA depletion syndrome 13 (encephalomyopathic type). Identifiers: Orphanet 369897, MedGen C3809592, MONDO:0014198, OMIM 615471.

Allele frequency attached by ClinVar (database versions not stated): gnomAD 0.00001; ExAC 0.00002; TOPMed 0.00002; gnomAD exomes below 0.00001.
gnomAD v4.1: 9 of 1,613,984 alleles (0.00056%); highest among the groups gnomAD compares: South Asian, 0.0022%; no homozygotes.

Submission:

Wong Mito Lab, Molecular and Human Genetics, Baylor College of Medicine
Classification: Uncertain significance for Mitochondrial DNA depletion syndrome 13. Last evaluated: 2017-08-10. Review status: criteria provided, single submitter. Criteria: ACMG Guidelines, 2015. Collection method: reference population. Allele origin: germline.
Comment: The NM_012160.4:c.350C>T (NP_036292.2:p.Thr117Met) [GRCH38: NC_000006.12:g.98926639G>A] variant in FBXL4 gene is interpretated to be a Uncertain Significance - Insufficient Evidence based on ACMG guidelines (PMID: 25741868). This variant meets one or more of the following evidence codes reported in the ACMG-guideline. PM2:This variant is absent in key population databases. Based on this evidence code ClinGen Pathogenicity Calculator (PMID:28081714) suggested that the variant is Uncertain Significance - Insufficient Evidence.